The following is an entry in ClinVar:

ClinVar aggregate classification (germline): Uncertain significance (1 of 4 stars; one submission).

Conditions:
Citrullinemia type I (CTNL1). Also called: argininosuccinate synthetase deficiency; ASS DEFICIENCY. Identifiers: Orphanet 247525, MedGen C4721769, MONDO:0008988, OMIM 215700.

Submission:

3billion
Classification: Uncertain significance for Citrullinemia type I. Last evaluated: 2024-10-17. Review status: criteria provided, single submitter. Criteria: ACMG Guidelines, 2015. Collection method: clinical testing. Allele origin: germline. Affected: yes.
Comment: The variant is not observed in the gnomAD v4.1.0 dataset. Predicted Consequence/Location: Missense variant In silico tool predictions suggest damaging effect of the variant on gene or gene product [REVEL: 0.94 (>=0.6, sensitivity 0.68 and specificity 0.92); 3Cnet: 0.88 (>=0.6, sensitivity 0.72 and precision 0.9)]. A different missense change at the same codon (p.Ala318Phe) has been reported to be associated with ASS1 related disorder (PMID: 36263152). However the evidence of pathogenicity is insufficient at this time. Therefore, this variant is classified as VUS according to the recommendation of ACMG/AMP guideline.

Literature cited by the submitters: PubMed 36263152.

NM_054012.4(ASS1):c.952G>C (p.Ala318Pro)

Gene: ASS1 (argininosuccinate synthase 1; plus strand). Cytogenetic location: 9q34.11.
Variant type: single nucleotide variant.
Coding change: c.952G>C on transcript NM_054012.4 (MANE Select); coding-DNA position 952, G replaced by C.
Protein change: p.Ala318Pro; replaces alanine 318 with proline.
Molecular consequence: missense variant.
Genome position (GRCh38, 1-based): chr9:130,489,446, G>C. VCF-style: chr9-130489446-G-C. GRCh37 (hg19) VCF-style: chr9-133364833-G-C.
Other names: c.952G>C, p.Ala318Pro (NM_000050.4); short protein forms A318P.
Identifiers: ClinVar variation 4292535 (VCV004292535.1).